The following is an entry in ClinVar:

ClinVar aggregate classification (germline): Pathogenic (1 of 4 stars; one submission).

Conditions:
Hereditary hemorrhagic telangiectasia (HHT). Also called: ORW DISEASE; Osler Weber Rendu syndrome; OSLER-RENDU-WEBER DISEASE; Osler hemorrhagic telangiectasia syndrome. Identifiers: Orphanet 774, MedGen C0039445, MONDO:0019180. Disease mechanism: loss of function.

Submission:

Labcorp Genetics (formerly Invitae), Labcorp
Classification: Pathogenic for Hereditary hemorrhagic telangiectasia. Last evaluated: 2019-12-18. Review status: criteria provided, single submitter. Criteria: Invitae Variant Classification Sherloc (09022015). Collection method: clinical testing. Allele origin: germline.
Comment: For these reasons, this variant has been classified as Pathogenic. This variant has been reported to affect ENG protein function (PMID: 22022569). This variant has been observed in individual(s) with clinical features of hereditary hemorrhagic telangiectasia (PMID: 12673790). In at least one individual the variant was observed to be de novo. This variant is not present in population databases (ExAC no frequency). This sequence change replaces proline with leucine at codon 165 of the ENG protein (p.Pro165Leu). The proline residue is highly conserved and there is a moderate physicochemical difference between proline and leucine.

Literature cited by the submitters: PubMed 22022569; PubMed 12673790.

NM_001114753.3(ENG):c.494C>T (p.Pro165Leu)

Gene: ENG (endoglin; minus strand). Cytogenetic location: 9q34.11.
Variant type: single nucleotide variant.
Coding change: c.494C>T on transcript NM_001114753.3 (MANE Select); coding-DNA position 494, C replaced by T.
Protein change: p.Pro165Leu; replaces proline 165 with leucine.
Molecular consequence: missense variant. On other transcripts: 5 prime UTR variant (1).
Genome position (GRCh38, 1-based): chr9:127,826,539, G>A on the plus strand (C>T on the coding strand, the complement: ENG is on the minus strand). VCF-style: chr9-127826539-G-A. GRCh37 (hg19) VCF-style: chr9-130588818-G-A.
Other names: c.494C>T, p.Pro165Leu (NM_000118.4, NM_001406715.1); c.-53C>T (NM_001278138.2); short protein forms P165L.
Identifiers: ClinVar variation 854634 (VCV000854634.11), dbSNP rs1830620321, ClinGen allele CA374984149.